The following is an entry in ClinVar:

ClinVar aggregate classification (germline): Likely benign (1 of 4 stars; one submission).

Conditions:
NOTCH1-related disorder. Also called: NOTCH1-related condition; NOTCH1-related disorders.

Submission:

PreventionGenetics, part of Exact Sciences
Classification: Likely benign for NOTCH1-related condition. Last evaluated: 2025-07-23. Review status: criteria provided, single submitter. Criteria: ACMG Guidelines, 2015. Collection method: clinical testing. Allele origin: germline.
Comment: This variant is classified as likely benign based on ACMG/AMP sequence variant interpretation guidelines (Richards et al. 2015 PMID: 25741868, with internal and published modifications).

NM_017617.5(NOTCH1):c.5106C>T (p.Phe1702=)

Gene: NOTCH1 (notch receptor 1; minus strand). Cytogenetic location: 9q34.3.
Variant type: single nucleotide variant.
Coding change: c.5106C>T on transcript NM_017617.5 (MANE Select); coding-DNA position 5106, C replaced by T.
Protein change: p.Phe1702=; no amino-acid change (phenylalanine 1702 retained).
Molecular consequence: synonymous variant.
Genome position (GRCh38, 1-based): chr9:136,503,243, G>A on the plus strand (C>T on the coding strand, the complement: NOTCH1 is on the minus strand). VCF-style: chr9-136503243-G-A. GRCh37 (hg19) VCF-style: chr9-139397695-G-A.
Identifiers: ClinVar variation 4999487 (VCV004999487.1).